The following is an entry in ClinVar:

ClinVar aggregate classification (germline): Uncertain significance (1 of 4 stars; one submission).

Conditions:
Joubert syndrome 8 (JBTS8). Identifiers: Orphanet 475, MedGen C2676771, MONDO:0012855, OMIM 612291.

Submission:

Labcorp Genetics (formerly Invitae), Labcorp
Classification: Uncertain significance for Joubert syndrome 8. Last evaluated: 2020-11-09. Review status: criteria provided, single submitter. Criteria: Invitae Variant Classification Sherloc (09022015). Collection method: clinical testing. Allele origin: germline.
Comment: This variant has not been reported in the literature in individuals with ARL13B-related conditions. This variant is not present in population databases (ExAC no frequency). This sequence change replaces glycine with aspartic acid at codon 74 of the ARL13B protein (p.Gly74Asp). The glycine residue is highly conserved and there is a moderate physicochemical difference between glycine and aspartic acid. Algorithms developed to predict the effect of missense changes on protein structure and function are either unavailable or do not agree on the potential impact of this missense change (SIFT: "Deleterious"; PolyPhen-2: "Probably Damaging"; Align-GVGD: "Class C0"). In summary, the available evidence is currently insufficient to determine the role of this variant in disease. Therefore, it has been classified as a Variant of Uncertain Significance.

NM_001174150.2(ARL13B):c.221G>A (p.Gly74Asp)

Gene: ARL13B (ARF like GTPase 13B; plus strand). Cytogenetic location: 3q11.2.
Variant type: single nucleotide variant.
Coding change: c.221G>A on transcript NM_001174150.2 (MANE Select); coding-DNA position 221, G replaced by A.
Protein change: p.Gly74Asp; replaces glycine 74 with aspartic acid.
Molecular consequence: missense variant. On other transcripts: 5 prime UTR variant (1), intron variant (1).
Genome position (GRCh38, 1-based): chr3:94,003,749, G>A. VCF-style: chr3-94003749-G-A. GRCh37 (hg19) VCF-style: chr3-93722593-G-A.
Other names: c.-89G>A (NM_001174151.2); c.176G>A, p.Gly59Asp (NM_001321328.2); c.221G>A, p.Gly74Asp (NM_182896.3); c.59+23267G>A (NM_144996.4); short protein forms G59D, G74D.
Identifiers: ClinVar variation 1023700 (VCV001023700.5), dbSNP rs2076089885, ClinGen allele CA353675500.